The following is an entry in ClinVar:

ClinVar aggregate classification (germline): Pathogenic (1 of 4 stars; one submission).

Submission:

Labcorp Genetics (formerly Invitae), Labcorp
Classification: Pathogenic. Last evaluated: 2022-04-04. Review status: criteria provided, single submitter. Criteria: Invitae Variant Classification Sherloc (09022015). Collection method: clinical testing. Allele origin: germline.
Comment: A gross deletion of the genomic region encompassing the full coding sequence of the RNASET2 gene has been identified. Loss-of-function variants in RNASET2 are known to be pathogenic (PMID: 19525954, 25044680, 29336640). The boundaries of this event are unknown as they extend beyond the assayed region for this gene and therefore may encompass additional genes. A similar copy number variant has been observed in individual(s) with RNASET2-related conditions (PMID: 29336640). For these reasons, this variant has been classified as Pathogenic.

Literature cited by the submitters: PubMed 19525954; PubMed 25044680; PubMed 29336640.

NC_000006.11:g.(?_167343076)_(167453466_?)del

Genes: CEP43 (centrosomal protein 43; plus strand), RNASET2 (ribonuclease T2; minus strand). Cytogenetic location: 6q27.
Variant type: Deletion.
Identifiers: ClinVar variation 2424749 (VCV002424749.4).